The following is an entry in ClinVar:

NM_001099922.3(ALG13):c.2687G>A (p.Gly896Asp)

Gene: ALG13 (ALG13 UDP-N-acetylglucosaminyltransferase subunit; plus strand). Cytogenetic location: Xq23.
Variant type: single nucleotide variant.
Coding change: c.2687G>A on transcript NM_001099922.3 (MANE Select); coding-DNA position 2687, G replaced by A.
Protein change: p.Gly896Asp; replaces glycine 896 with aspartic acid.
Molecular consequence: missense variant. On other transcripts: non-coding transcript variant (1).
Genome position (GRCh38, 1-based): chrX:111,736,871, G>A. VCF-style: chrX-111736871-G-A. GRCh37 (hg19) VCF-style: chrX-110980099-G-A.
Other names: c.2375G>A, p.Gly792Asp (NM_001257230.2, NM_001257234.2, NM_001257237.2); c.2453G>A, p.Gly818Asp (NM_001257231.2); c.2687G>A, p.Gly896Asp (NM_001324292.2); c.2201G>A, p.Gly734Asp (NM_001324293.1); short protein forms G818D, G896D, G734D, G792D.
Identifiers: ClinVar variation 2099854 (VCV002099854.4), dbSNP rs2526156826, ClinGen allele CA414254626.

ClinVar aggregate classification (germline): Uncertain significance (1 of 4 stars; one submission).

Conditions:
Developmental and epileptic encephalopathy, 36 (DEE36). Also called: Epileptic encephalopathy, early infantile, 36; Congenital disorder of glycosylation, type Is; ALG13-CDG. Identifiers: Orphanet 324422, MedGen C4317295, MONDO:0010472, OMIM 300884.

Submission:

Labcorp Genetics (formerly Invitae), Labcorp
Classification: Uncertain significance for Developmental and epileptic encephalopathy, 36. Last evaluated: 2023-08-24. Review status: criteria provided, single submitter. Criteria: Invitae Variant Classification Sherloc (09022015). Collection method: clinical testing. Allele origin: germline.
Comment: This variant is not present in population databases (gnomAD no frequency). In summary, the available evidence is currently insufficient to determine the role of this variant in disease. Therefore, it has been classified as a Variant of Uncertain Significance. Advanced modeling of protein sequence and biophysical properties (such as structural, functional, and spatial information, amino acid conservation, physicochemical variation, residue mobility, and thermodynamic stability) performed at Invitae indicates that this missense variant is not expected to disrupt ALG13 protein function. ClinVar contains an entry for this variant (Variation ID: 2099854). This variant has not been reported in the literature in individuals affected with ALG13-related conditions. This sequence change replaces glycine, which is neutral and non-polar, with aspartic acid, which is acidic and polar, at codon 896 of the ALG13 protein (p.Gly896Asp).